The following is an entry in ClinVar:

ClinVar aggregate classification (germline): Likely benign (1 of 4 stars; one submission).

Allele frequency attached by ClinVar (database versions not stated): gnomAD exomes below 0.00001; gnomAD 0.00004.

Submission:

Laboratory for Molecular Medicine, Mass General Brigham Personalized Medicine
Classification: Likely benign. Last evaluated: 2024-01-28. Review status: criteria provided, single submitter. Criteria: ACMG Guidelines, 2015. Collection method: clinical testing. Allele origin: germline.
Comment: The Pro11438LeufsX14 variant in TTN is classified as likely benign because it has been identified in .016% (6/38702) of African chromosomes by gnomAD (v.3.1.2). In addition this variant is loacted in an exon that is not highlight expressed in the heart (PSI=2%) and therefore is not predicted to impact the most biologically relevant transcript. ACMG/AMP Criteria applied: BS1, BP4.

NM_001267550.2(TTN):c.34312_34313insTTCT (p.Pro11438fs)

Gene: TTN (titin; minus strand). Cytogenetic location: 2q31.2.
Variant type: Insertion.
Coding change: c.34312_34313insTTCT on transcript NM_001267550.2 (MANE Select); coding-DNA positions 34312 to 34313, TTCT inserted.
Protein change: p.Pro11438fs; shifts the reading frame from proline 11438.
Molecular consequence: frameshift variant. On other transcripts: intron variant (5).
Genome position: GRCh38 VCF-style: chr2-178677266-G-GAGAA. GRCh37 (hg19) VCF-style: chr2-179541993-G-GAGAA.
Other names: c.13283-34950_13283-34949insTTCT (NM_003319.4); c.13859-34950_13859-34949insTTCT (NM_133437.4); c.13658-34950_13658-34949insTTCT (NM_133432.3); c.30559+354_30559+355insTTCT (NM_133378.4); c.33340+354_33340+355insTTCT (NM_001256850.1); short protein forms P11438fs.
Identifiers: ClinVar variation 3075978 (VCV003075978.1), dbSNP rs1377884049, ClinGen allele CA761308117.